The following is an entry in ClinVar:

NM_000051.4(ATM):c.7630-12C>G

Genes: ATM (ATM serine/threonine kinase; plus strand), C11orf65 (chromosome 11 open reading frame 65; minus strand). Cytogenetic location: 11q22.3.
Variant type: single nucleotide variant.
Coding change: c.7630-12C>G on transcript NM_000051.4 (MANE Select); 12 bases into the intron before coding-DNA position 7630, C replaced by G.
Molecular consequence: intron variant.
Genome position (GRCh38, 1-based): chr11:108,331,867, C>G. VCF-style: chr11-108331867-C-G. GRCh37 (hg19) VCF-style: chr11-108202594-C-G.
Other names: c.7630-12C>G (NM_001351834.2); c.641-22796G>C (NM_001330368.2); c.*38+3353G>C (NM_001351110.2).
Identifiers: ClinVar variation 490706 (VCV000490706.11), dbSNP rs911541230, ClinGen allele CA228418670.

ClinVar aggregate classification (germline): Likely benign. Review status: criteria provided, multiple submitters, no conflicts (2 of 4 stars). 3 submissions from 3 submitters: Likely benign (3). Last evaluated 2026-01-14.

Conditions:
Hereditary cancer-predisposing syndrome. Also called: Hereditary Cancer Syndrome; Neoplastic Syndromes, Hereditary; Tumor predisposition; Hereditary neoplastic syndrome. Identifiers: Orphanet 140162, MedGen C0027672, MeSH D009386, MONDO:0015356.
Ataxia-telangiectasia syndrome (AT). Also called: Cerebello-oculocutaneous telangiectasia; Immunodeficiency with ataxia telangiectasia; Ataxia-telangiectasia, complementation group E; Ataxia-telangiectasia, complementation group D; AT, COMPLEMENTATION GROUP C; ATAXIA-TELANGIECTASIA, COMPLEMENTATION GROUP A. Identifiers: Orphanet 100, MedGen C0004135, MONDO:0008840, OMIM 208900.

Allele frequency attached by ClinVar (database versions not stated): gnomAD exomes 0.00001 and below 0.00001; TOPMed 0.00001; gnomAD 0.00001.
gnomAD v4.1: 8 of 1,612,302 alleles (0.0005%); highest among the groups gnomAD compares: Non-Finnish European, 0.00068%; no homozygotes.

Submissions (3):

Labcorp Genetics (formerly Invitae), Labcorp
Classification: Likely benign for Ataxia-telangiectasia syndrome. Last evaluated: 2026-01-14. Review status: criteria provided, single submitter. Criteria: Invitae Variant Classification Sherloc (09022015). Collection method: clinical testing. Allele origin: germline.

GeneDx
Classification: Likely benign. Last evaluated: 2017-12-07. Review status: criteria provided, single submitter. Criteria: GeneDx Variant Classification (06012015). Collection method: clinical testing. Allele origin: germline. Affected: yes.
Comment: This variant is considered likely benign or benign based on one or more of the following criteria: it is a conservative change, it occurs at a poorly conserved position in the protein, it is predicted to be benign by multiple in silico algorithms, and/or has population frequency not consistent with disease.

Color Diagnostics, LLC DBA Color Health
Classification: Likely benign for Hereditary cancer-predisposing syndrome. Last evaluated: 2015-10-20. Review status: criteria provided, single submitter. Criteria: ACMG Guidelines, 2015. Collection method: clinical testing. Allele origin: germline.